The following is an entry in ClinVar:

ClinVar aggregate classification (germline): Uncertain significance (1 of 4 stars; one submission).

Conditions:
Mucopolysaccharidosis, MPS-IV-A (MPS4A). Also called: MORQUIO SYNDROME A; MPS IVA; mucopolysaccharidosis type 4A; Mucopolysaccharidosis type IV A; Morquio syndrome A, mild; GALACTOSAMINE-6-SULFATASE DEFICIENCY. Identifiers: Orphanet 309297, Orphanet 582, MedGen C0086651, MONDO:0009659, OMIM 253000.

Submission:

Juno Genomics, Hangzhou Juno Genomics, Inc
Classification: Uncertain significance for Mucopolysaccharidosis, MPS-IV-A. Review status: criteria provided, single submitter. Criteria: ACMG Guidelines, 2015. Collection method: clinical testing. Allele origin: germline.
Comment: Absent from controls (or at extremely low frequency if recessive) in Genome Aggregation Database.

NM_000512.5(GALNS):c.367C>G (p.Leu123Val)

Gene: GALNS (galactosamine (N-acetyl)-6-sulfatase; minus strand). Cytogenetic location: 16q24.3.
Variant type: single nucleotide variant.
Coding change: c.367C>G on transcript NM_000512.5 (MANE Select); coding-DNA position 367, C replaced by G.
Protein change: p.Leu123Val; replaces leucine 123 with valine.
Molecular consequence: missense variant. On other transcripts: 5 prime UTR variant (1).
Genome position (GRCh38, 1-based): chr16:88,841,047, G>C on the plus strand (C>G on the coding strand, the complement: GALNS is on the minus strand). VCF-style: chr16-88841047-G-C. GRCh37 (hg19) VCF-style: chr16-88907455-G-C.
Other names: c.-189C>G (NM_001323543.2); c.385C>G, p.Leu129Val (NM_001323544.2); short protein forms L123V, L129V.
Identifiers: ClinVar variation 5005661 (VCV005005661.2).
Genomic context (GRCh38, chr16:88,841,047, plus strand): 5'-CTTACCACTTGCCGACAATCTTGCTGACGTAGCCGGCCTTCTTCAGAAGCTCCGGCAGGA[G>C]CTGCTCCGAGTCTGGGATGCCGCCCACAATCTCCTGCGGTGTGTAGGCTGGAAGAGCAGC-3'
Protein context (NP_000503.1, residues 113-133): IVGGIPDSEQ[Leu123Val]LPELLKKAGY